The following is an entry in ClinVar:

NM_017679.5(BCAS3):c.584+6G>T

Gene: BCAS3 (BCAS3 microtubule associated cell migration factor; plus strand). Cytogenetic location: 17q23.2.
Variant type: single nucleotide variant.
Coding change: c.584+6G>T on transcript NM_017679.5 (MANE Select); 6 bases into the intron after coding-DNA position 584, G replaced by T.
Molecular consequence: intron variant.
Genome position (GRCh38, 1-based): chr17:60,868,689, G>T. VCF-style: chr17-60868689-G-T. GRCh37 (hg19) VCF-style: chr17-58946050-G-T.
Other names: c.584+6G>T (NM_001353144.2, NM_001353145.2, NM_001330413.2 and 4 more transcripts).
Identifiers: ClinVar variation 4086030 (VCV004086030.8).

ClinVar aggregate classification (germline): Likely benign (1 of 4 stars; one submission).

gnomAD v4.1: 128 of 1,543,276 alleles (0.0083%); highest among the groups gnomAD compares: African/African-American, 0.16%; no homozygotes.

Submission:

CeGaT Center for Human Genetics Tuebingen
Classification: Likely benign. Last evaluated: 2025-07-01. Review status: criteria provided, single submitter. Criteria: CeGaT Center For Human Genetics Tuebingen Variant Classification Criteria Version 2. Collection method: clinical testing. Allele origin: germline. Affected: yes. Observed: 1 variant allele.
Comment: BCAS3: BP4